The following is an entry in ClinVar:

ClinVar aggregate classification (germline): Uncertain significance (1 of 4 stars; one submission).

gnomAD v4.1: 3 of 1,610,216 alleles (0.00019%); highest among the groups gnomAD compares: Non-Finnish European, 0.00025%; no homozygotes.

Submission:

Labcorp Genetics (formerly Invitae), Labcorp
Classification: Uncertain significance. Last evaluated: 2023-12-07. Review status: criteria provided, single submitter. Criteria: Invitae Variant Classification Sherloc (09022015). Collection method: clinical testing. Allele origin: germline.
Comment: This sequence change replaces proline, which is neutral and non-polar, with arginine, which is basic and polar, at codon 339 of the MNX1 protein (p.Pro339Arg). This variant is not present in population databases (gnomAD no frequency). This variant has not been reported in the literature in individuals affected with MNX1-related conditions. ClinVar contains an entry for this variant (Variation ID: 1503462). An algorithm developed to predict the effect of missense changes on protein structure and function (PolyPhen-2) suggests that this variant is likely to be tolerated. In summary, the available evidence is currently insufficient to determine the role of this variant in disease. Therefore, it has been classified as a Variant of Uncertain Significance.

NM_005515.4(MNX1):c.1016C>G (p.Pro339Arg)

Gene: MNX1 (motor neuron and pancreas homeobox 1; minus strand). Cytogenetic location: 7q36.3.
Variant type: single nucleotide variant.
Coding change: c.1016C>G on transcript NM_005515.4 (MANE Select); coding-DNA position 1016, C replaced by G.
Protein change: p.Pro339Arg; replaces proline 339 with arginine.
Molecular consequence: missense variant.
Genome position (GRCh38, 1-based): chr7:157,005,710, G>C on the plus strand (C>G on the coding strand, the complement: MNX1 is on the minus strand). VCF-style: chr7-157005710-G-C. GRCh37 (hg19) VCF-style: chr7-156798404-G-C.
Other names: c.380C>G, p.Pro127Arg (NM_001165255.2); short protein forms P127R, P339R.
Identifiers: ClinVar variation 1503462 (VCV001503462.8), dbSNP rs369111088, ClinGen allele CA169866112.